The following is an entry in ClinVar:

ClinVar aggregate classification (germline): Uncertain significance (1 of 4 stars; one submission).

Allele frequency attached by ClinVar (database versions not stated): gnomAD exomes below 0.00001.
gnomAD v4.1: 2 of 1,613,760 alleles (0.00012%); highest among the groups gnomAD compares: Non-Finnish European, 0.00017%; no homozygotes.

Submission:

GeneDx
Classification: Uncertain significance. Last evaluated: 2022-07-22. Review status: criteria provided, single submitter. Criteria: GeneDx Variant Classification Process June 2021. Collection method: clinical testing. Allele origin: germline. Affected: yes.
Comment: Not observed at significant frequency in large population cohorts (gnomAD); In silico analysis supports that this missense variant does not alter protein structure/function; Has not been previously published as pathogenic or benign to our knowledge

NM_001039111.3(TRIM71):c.1135G>A (p.Glu379Lys)

Gene: TRIM71 (tripartite motif containing 71; plus strand). Cytogenetic location: 3p22.3.
Variant type: single nucleotide variant.
Coding change: c.1135G>A on transcript NM_001039111.3 (MANE Select); coding-DNA position 1135, G replaced by A.
Protein change: p.Glu379Lys; replaces glutamic acid 379 with lysine.
Molecular consequence: missense variant.
Genome position (GRCh38, 1-based): chr3:32,886,048, G>A. VCF-style: chr3-32886048-G-A. GRCh37 (hg19) VCF-style: chr3-32927540-G-A.
Other names: short protein forms E379K.
Identifiers: ClinVar variation 2429520 (VCV002429520.1), dbSNP rs2471089366, ClinGen allele CA351983235.